The following is an entry in ClinVar:

NM_003900.5(SQSTM1):c.970G>A (p.Glu324Lys)

Gene: SQSTM1 (sequestosome 1; plus strand). Cytogenetic location: 5q35.3.
Variant type: single nucleotide variant.
Coding change: c.970G>A on transcript NM_003900.5 (MANE Select); coding-DNA position 970, G replaced by A.
Protein change: p.Glu324Lys; replaces glutamic acid 324 with lysine.
Molecular consequence: missense variant.
Genome position (GRCh38, 1-based): chr5:179,833,587, G>A. VCF-style: chr5-179833587-G-A. GRCh37 (hg19) VCF-style: chr5-179260587-G-A.
Other names: c.718G>A, p.Glu240Lys (NM_001142298.2, NM_001142299.2); short protein forms E324K, E240K.
Identifiers: ClinVar variation 944236 (VCV000944236.9), dbSNP rs1436000961, ClinGen allele CA362452302.
Genomic context (GRCh38, chr5:179,833,587, plus strand): 5'-ATGGTCAGGCTTGGCCTGTTGCGCGTGTCTCCTGTGTGCTCATGGTGAGTTTTGTTCCAG[G>A]AACAGATGGAGTCGGATAACTGTTCAGGAGGAGATGATGACTGGACCCATCTGTCTTCAA-3'
Protein context (NP_003891.1, residues 314-334): IALESEGRPE[Glu324Lys]QMESDNCSGG

ClinVar aggregate classification (germline): Uncertain significance (1 of 4 stars; one submission).

Conditions:
Frontotemporal dementia and/or amyotrophic lateral sclerosis 1 (FTDALS1). Also called: Frontotemporal dementia with motor neuron disease 1; C9orf72 Frontotemporal Dementia and/or Amyotrophic Lateral Sclerosis. Identifiers: Orphanet 275872, MedGen C5779877, MONDO:0007105, OMIM 105550.
Paget disease of bone 2, early-onset (PDB2). Also called: Paget disease of bone 2. Identifiers: MedGen C4085251, MONDO:0011183, OMIM 602080.

Submission:

Labcorp Genetics (formerly Invitae), Labcorp
Classification: Uncertain significance for Paget disease of bone 2, early-onset; Frontotemporal dementia and/or amyotrophic lateral sclerosis 1. Last evaluated: 2023-05-03. Review status: criteria provided, single submitter. Criteria: Invitae Variant Classification Sherloc (09022015). Collection method: clinical testing. Allele origin: germline.
Comment: An algorithm developed to predict the effect of missense changes on protein structure and function (PolyPhen-2) suggests that this variant is likely to be tolerated. ClinVar contains an entry for this variant (Variation ID: 944236). This variant has not been reported in the literature in individuals affected with SQSTM1-related conditions. This variant is not present in population databases (gnomAD no frequency). This sequence change replaces glutamic acid, which is acidic and polar, with lysine, which is basic and polar, at codon 324 of the SQSTM1 protein (p.Glu324Lys). In summary, the available evidence is currently insufficient to determine the role of this variant in disease. Therefore, it has been classified as a Variant of Uncertain Significance.